The following is an entry in ClinVar:

ClinVar aggregate classification (germline): Uncertain significance. Review status: criteria provided, multiple submitters, no conflicts (2 of 4 stars). 2 submissions from 2 submitters: Uncertain significance (2). Last evaluated 2025-10-14.

Conditions:
Hereditary cancer-predisposing syndrome. Also called: Tumor predisposition; Hereditary neoplastic syndrome; Neoplastic Syndromes, Hereditary; Hereditary Cancer Syndrome. Identifiers: Orphanet 140162, MedGen C0027672, MeSH D009386, MONDO:0015356.
Parathyroid carcinoma (PRTC). Also called: CDC73-Related Parathyroid Carcinoma; Parathyroid gland carcinoma. Identifiers: Orphanet 143, MedGen C0687150, MONDO:0012004, OMIM 608266, HP:0006780.

Submissions (2):

Ambry Genetics
Classification: Uncertain significance for Hereditary cancer-predisposing syndrome. Last evaluated: 2025-10-14. Review status: criteria provided, single submitter. Criteria: Ambry Variant Classification Scheme 2023. Collection method: clinical testing. Allele origin: germline.
Comment: The p.P462R variant (also known as c.1385C>G), located in coding exon 15 of the CDC73 gene, results from a C to G substitution at nucleotide position 1385. The proline at codon 462 is replaced by arginine, an amino acid with dissimilar properties. This amino acid position is conserved. In addition, the in silico prediction for this alteration is inconclusive. Based on the available evidence, the clinical significance of this variant remains unclear.

Labcorp Genetics (formerly Invitae), Labcorp
Classification: Uncertain significance for Parathyroid carcinoma. Last evaluated: 2021-10-31. Review status: criteria provided, single submitter. Criteria: Invitae Variant Classification Sherloc (09022015). Collection method: clinical testing. Allele origin: germline.
Comment: This sequence change replaces proline, which is neutral and non-polar, with arginine, which is basic and polar, at codon 462 of the CDC73 protein (p.Pro462Arg). This variant is not present in population databases (gnomAD no frequency). This variant has not been reported in the literature in individuals affected with CDC73-related conditions. ClinVar contains an entry for this variant (Variation ID: 664686). Algorithms developed to predict the effect of missense changes on protein structure and function are either unavailable or do not agree on the potential impact of this missense change (SIFT: "Deleterious"; PolyPhen-2: "Possibly Damaging"; Align-GVGD: "Class C0"). In summary, the available evidence is currently insufficient to determine the role of this variant in disease. Therefore, it has been classified as a Variant of Uncertain Significance.

NM_024529.5(CDC73):c.1385C>G (p.Pro462Arg)

Gene: CDC73 (cell division cycle 73; plus strand). Cytogenetic location: 1q31.2.
Variant type: single nucleotide variant.
Coding change: c.1385C>G on transcript NM_024529.5 (MANE Select); coding-DNA position 1385, C replaced by G.
Protein change: p.Pro462Arg; replaces proline 462 with arginine.
Molecular consequence: missense variant.
Genome position (GRCh38, 1-based): chr1:193,236,324, C>G. VCF-style: chr1-193236324-C-G. GRCh37 (hg19) VCF-style: chr1-193205454-C-G.
Other names: short protein forms P462R.
Identifiers: ClinVar variation 664686 (VCV000664686.8), dbSNP rs1572217735, ClinGen allele CA344078247.